The following is an entry in ClinVar:

ClinVar aggregate classification (germline): Uncertain significance (1 of 4 stars; one submission).

Submission:

Labcorp Genetics (formerly Invitae), Labcorp
Classification: Uncertain significance. Last evaluated: 2025-05-11. Review status: criteria provided, single submitter. Criteria: Invitae Variant Classification Sherloc (09022015). Collection method: clinical testing. Allele origin: germline.
Comment: This sequence change replaces alanine, which is neutral and non-polar, with valine, which is neutral and non-polar, at codon 955 of the SCN3A protein (p.Ala955Val). This variant is not present in population databases (gnomAD no frequency). This variant has not been reported in the literature in individuals affected with SCN3A-related conditions. Invitae Evidence Modeling of protein sequence and biophysical properties (such as structural, functional, and spatial information, amino acid conservation, physicochemical variation, residue mobility, and thermodynamic stability) indicates that this missense variant is not expected to disrupt SCN3A protein function with a negative predictive value of 95%. In summary, the available evidence is currently insufficient to determine the role of this variant in disease. Therefore, it has been classified as a Variant of Uncertain Significance.

NM_006922.4(SCN3A):c.2864C>T (p.Ala955Val)

Gene: SCN3A (sodium voltage-gated channel alpha subunit 3; minus strand). Cytogenetic location: 2q24.3.
Variant type: single nucleotide variant.
Coding change: c.2864C>T on transcript NM_006922.4 (MANE Select); coding-DNA position 2864, C replaced by T.
Protein change: p.Ala955Val; replaces alanine 955 with valine.
Molecular consequence: missense variant.
Genome position (GRCh38, 1-based): chr2:165,129,998, G>A on the plus strand (C>T on the coding strand, the complement: SCN3A is on the minus strand). VCF-style: chr2-165129998-G-A. GRCh37 (hg19) VCF-style: chr2-165986508-G-A.
Other names: c.2717C>T, p.Ala906Val (NM_001081676.2, NM_001081677.2); short protein forms A955V, A906V.
Identifiers: ClinVar variation 4745730 (VCV004745730.1).
Genomic context (GRCh38, chr2:165,129,998, plus strand): 5'-ACCACAAGGTTTCCAATGACCATGACCAACATGAAAACAATAAGGCACATGGTTTGGCCA[G>A]CGACCTCCATACAGTCCCACATGGTCTCTATCCACTCTCCACACAGCACGCGGAACACAA-3'
Protein context (NP_008853.3, residues 945-965): IETMWDCMEV[Ala955Val]GQTMCLIVFM